The following is an entry in ClinVar:

ClinVar aggregate classification (germline): Benign/Likely benign. Review status: criteria provided, multiple submitters, no conflicts (2 of 4 stars). 14 submissions from 14 submitters: Benign (3); Likely benign (7). 4 of the submissions do not count toward it. Last evaluated 2026-02-01.

Conditions:
Nephrolithiasis/nephrocalcinosis. Identifiers: MedGen CN580796.
Lowe syndrome (OCRL). Also called: Oculocerebrorenal Syndrome; LOWE OCULOCEREBRORENAL SYNDROME; PHOSPHATIDYLINOSITOL 4,5-BISPHOSPHATE 5-PHOSPHATASE DEFICIENCY. Identifiers: Orphanet 534, MedGen C0028860, MONDO:0010645, OMIM 309000.

Allele frequency attached by ClinVar (database versions not stated): 1000 Genomes Project 0.00185; 1000 Genomes Project 30x 0.00187; ESP Exome Variant Server 0.00369; TOPMed 0.00396; gnomAD 0.00489 and 0.00495; ExAC 0.00535; gnomAD exomes 0.00565 and 0.00718.
gnomAD v4.1: 8,309 of 1,205,712 alleles (0.69%); highest among the groups gnomAD compares: Non-Finnish European, 0.79%; 23 homozygotes.

Submissions (14):

Labcorp Genetics (formerly Invitae), Labcorp
Classification: Benign for Lowe syndrome. Last evaluated: 2026-02-01. Review status: criteria provided, single submitter. Criteria: Invitae Variant Classification Sherloc (09022015). Collection method: clinical testing. Allele origin: germline.

Mayo Clinic Laboratories, Mayo Clinic
Classification: Likely benign. Last evaluated: 2025-09-26. Review status: criteria provided, single submitter. Criteria: ACMG Guidelines, 2015. Collection method: clinical testing. Allele origin: germline. Observed: 3 variant alleles.
Comment: BS1, BP4

Blueprint Genetics
Classification: Likely benign. Last evaluated: 2024-11-28. Review status: criteria provided, single submitter. Criteria: ACMG Guidelines, 2015. Collection method: clinical testing. Allele origin: germline.

GeneDx
Classification: Likely benign. Last evaluated: 2020-09-19. Review status: criteria provided, single submitter. Criteria: GeneDx Variant Classification Process June 2021. Collection method: clinical testing. Allele origin: germline. Affected: yes.

Center for Pediatric Genomic Medicine, Children's Mercy Hospital and Clinics
Classification: Likely benign. Last evaluated: 2017-05-15. Review status: criteria provided, single submitter. Criteria: ACMG Guidelines, 2015. Collection method: clinical testing. Allele origin: germline.

Ambry Genetics
Classification: Benign for Nephrolithiasis/nephrocalcinosis. Last evaluated: 2017-01-16. Review status: criteria provided, single submitter. Criteria: Ambry Variant Classification Scheme 2023. Collection method: clinical testing. Allele origin: germline.

Genetic Services Laboratory, University of Chicago
Classification: Benign. Last evaluated: 2016-07-12. Review status: criteria provided, single submitter. Criteria: ACMG Guidelines, 2015. Collection method: clinical testing. Allele origin: germline. Affected: no.

Eurofins Ntd Llc (ga)
Classification: Likely benign. Last evaluated: 2014-08-11. Review status: criteria provided, single submitter. Criteria: EGL Classification Definitions 2015. Collection method: clinical testing. Allele origin: germline. Observed: 1 variant allele, 1 hemizygote.

Breakthrough Genomics
Classification: Likely benign. Review status: criteria provided, single submitter. Criteria: ACMG Guidelines, 2015. Collection method: not provided. Allele origin: germline. Inheritance: X-linked inheritance. Affected: yes.

PreventionGenetics, part of Exact Sciences
Classification: Likely benign. Review status: criteria provided, single submitter. Criteria: ACMG Guidelines, 2015. Collection method: clinical testing. Allele origin: germline.

Clinical Genetics DNA and cytogenetics Diagnostics Lab, Erasmus MC, Erasmus Medical Center
Classification: Likely benign. Review status: no assertion criteria provided. Collection method: clinical testing. Allele origin: germline. Affected: yes. Study: VKGL Data-share Consensus. Not counted in ClinVar's aggregate classification.

Diagnostic Laboratory, Department of Genetics, University Medical Center Groningen
Classification: Likely benign. Review status: no assertion criteria provided. Collection method: clinical testing. Allele origin: germline. Affected: yes. Study: VKGL Data-share Consensus. Not counted in ClinVar's aggregate classification.

Genome Diagnostics Laboratory, University Medical Center Utrecht
Classification: Benign. Review status: no assertion criteria provided. Collection method: clinical testing. Allele origin: germline. Affected: yes. Study: VKGL Data-share Consensus. Not counted in ClinVar's aggregate classification.

Laboratory of Diagnostic Genome Analysis, Leiden University Medical Center (LUMC)
Classification: Likely benign. Review status: no assertion criteria provided. Collection method: clinical testing. Allele origin: germline. Affected: yes. Study: VKGL Data-share Consensus. Not counted in ClinVar's aggregate classification.

Literature cited by the submitters: PubMed 35919034 (cited by Mayo Clinic Laboratories, Mayo Clinic).

NM_000276.4(OCRL):c.41C>T (p.Thr14Ile)

Gene: OCRL (OCRL inositol polyphosphate-5-phosphatase; plus strand). Cytogenetic location: Xq26.1.
Variant type: single nucleotide variant.
Coding change: c.41C>T on transcript NM_000276.4 (MANE Select); coding-DNA position 41, C replaced by T.
Protein change: p.Thr14Ile; replaces threonine 14 with isoleucine.
Molecular consequence: missense variant.
Genome position (GRCh38, 1-based): chrX:129,540,745, C>T. VCF-style: chrX-129540745-C-T. GRCh37 (hg19) VCF-style: chrX-128674722-C-T.
Other names: p.Thr14Ile; c.44C>T, p.Thr15Ile (NM_001318784.2); c.41C>T, p.Thr14Ile (NM_001587.4); short protein forms T14I, T15I.
Identifiers: ClinVar variation 129850 (VCV000129850.35), dbSNP rs61752970, ClinGen allele CA154188.
Genomic context (GRCh38, chrX:129,540,745, plus strand): 5'-GCAGTGCACCACTCCTCCCCACCGCGCTTCCGAAGGAGACCCTTGACTAGCGCCCGCATA[C>T]TGTCGAGGGTATGGAGATGAAGGGTCCTCTCCGGGAGCCCTGCGCCCTGACCCTAGCCCA-3'
Protein context (NP_000267.2, residues 4-24): PLPVGAQPLA[Thr14Ile]VEGMEMKGPL